The following is an entry in ClinVar:

NM_002485.5(NBN):c.1845+1G>C

Gene: NBN (nibrin; minus strand). Cytogenetic location: 8q21.3.
Variant type: single nucleotide variant.
Coding change: c.1845+1G>C on transcript NM_002485.5 (MANE Select); the canonical splice donor site of the intron after coding-DNA position 1845, G replaced by C.
Molecular consequence: splice donor variant.
Genome position (GRCh38, 1-based): chr8:89,953,243, C>G on the plus strand (G>C on the coding strand, the complement: NBN is on the minus strand). VCF-style: chr8-89953243-C-G. GRCh37 (hg19) VCF-style: chr8-90965471-C-G.
Other names: c.1599+1G>C (NM_001024688.3).
Identifiers: ClinVar variation 1781218 (VCV001781218.2), dbSNP rs2129695663, ClinGen allele CA371654959.

ClinVar aggregate classification (germline): Likely pathogenic (1 of 4 stars; one submission).

Conditions:
Hereditary cancer-predisposing syndrome. Also called: Neoplastic Syndromes, Hereditary; Tumor predisposition; Hereditary Cancer Syndrome; Hereditary neoplastic syndrome. Identifiers: Orphanet 140162, MedGen C0027672, MeSH D009386, MONDO:0015356.

Submission:

Ambry Genetics
Classification: Likely pathogenic for Hereditary cancer-predisposing syndrome. Last evaluated: 2021-04-07. Review status: criteria provided, single submitter. Criteria: Ambry Variant Classification Scheme 2023. Collection method: clinical testing. Allele origin: germline.
Comment: The c.1845+1G>C intronic variant results from a G to C substitution one nucleotide after coding exon 11 of the NBN gene. This nucleotide position is highly conserved in available vertebrate species. In silico splice site analysis predicts that this alteration will weaken the native splice donor site. Alterations that disrupt the canonical splice site are expected to cause aberrant splicing, resulting in an abnormal protein or a transcript that is subject to nonsense-mediated mRNA decay. As such, this alteration is classified as likely pathogenic.